The following is an entry in ClinVar:

ClinVar aggregate classification (germline): Uncertain significance (1 of 4 stars; one submission).

Submission:

Center for Genomic Medicine, Rigshospitalet, Copenhagen University Hospital
Classification: Uncertain significance. Last evaluated: 2025-12-29. Review status: criteria provided, single submitter. Criteria: ACMG Guidelines, 2015. Collection method: clinical testing. Allele origin: germline.
Comment: Classification criteria: BP4, PM2_supporting

NM_000059.4(BRCA2):c.7843A>G (p.Ile2615Val)

Gene: BRCA2 (BRCA2 DNA repair associated; plus strand). Cytogenetic location: 13q13.1.
Variant type: single nucleotide variant.
Coding change: c.7843A>G on transcript NM_000059.4 (MANE Select); coding-DNA position 7843, A replaced by G.
Protein change: p.Ile2615Val; replaces isoleucine 2615 with valine.
Molecular consequence: missense variant. On other transcripts: non-coding transcript variant (1).
Genome position (GRCh38, 1-based): chr13:32,362,560, A>G. VCF-style: chr13-32362560-A-G. GRCh37 (hg19) VCF-style: chr13-32936697-A-G.
Other names: c.7747A>G, p.Ile2583Val (NM_001406719.1); c.7843A>G, p.Ile2615Val (NM_001406720.1, NM_001432077.1); c.2911A>G, p.Ile971Val (NM_001406721.1); c.1426A>G, p.Ile476Val (NM_001406722.1); short protein forms I2583V, I2615V, I476V, I971V.
Identifiers: ClinVar variation 4539215 (VCV004539215.1).